The following is an entry in ClinVar:

ClinVar aggregate classification (germline): Uncertain significance (1 of 4 stars; one submission).

Conditions:
Bethlem myopathy 1A. Also called: MYOPATHY, BENIGN CONGENITAL, WITH CONTRACTURES; Bethlem Muscular Dystrophy; Bethlem myopathy 1. Identifiers: Orphanet 610, MedGen CN029274, MONDO:0024530, OMIM 158810.

Allele frequency attached by ClinVar (database versions not stated): gnomAD exomes 0.00001 and below 0.00001; TOPMed below 0.00001; gnomAD 0.00001.
gnomAD v4.1: 9 of 1,591,056 alleles (0.00057%); highest among the groups gnomAD compares: Middle Eastern, 0.016%; no homozygotes.

Submission:

Labcorp Genetics (formerly Invitae), Labcorp
Classification: Uncertain significance for Bethlem myopathy 1A. Last evaluated: 2022-06-27. Review status: criteria provided, single submitter. Criteria: Invitae Variant Classification Sherloc (09022015). Collection method: clinical testing. Allele origin: germline.
Comment: In summary, the available evidence is currently insufficient to determine the role of this variant in disease. Therefore, it has been classified as a Variant of Uncertain Significance. Advanced modeling of protein sequence and biophysical properties (such as structural, functional, and spatial information, amino acid conservation, physicochemical variation, residue mobility, and thermodynamic stability) performed at Invitae indicates that this missense variant is not expected to disrupt COL6A2 protein function. This variant has not been reported in the literature in individuals affected with COL6A2-related conditions. This variant is present in population databases (no rsID available, gnomAD 0.001%). This sequence change replaces proline, which is neutral and non-polar, with serine, which is neutral and polar, at codon 872 of the COL6A2 protein (p.Pro872Ser).

NM_001849.4(COL6A2):c.2614C>T (p.Pro872Ser)

Gene: COL6A2 (collagen type VI alpha 2 chain; plus strand). Cytogenetic location: 21q22.3.
Variant type: single nucleotide variant.
Coding change: c.2614C>T on transcript NM_001849.4 (MANE Select); coding-DNA position 2614, C replaced by T.
Protein change: p.Pro872Ser; replaces proline 872 with serine.
Molecular consequence: missense variant.
Genome position (GRCh38, 1-based): chr21:46,132,106, C>T. VCF-style: chr21-46132106-C-T. GRCh37 (hg19) VCF-style: chr21-47552020-C-T.
Other names: short protein forms P872S.
Identifiers: ClinVar variation 1440846 (VCV001440846.8), dbSNP rs1228163562, ClinGen allele CA410548588.
Genomic context (GRCh38, chr21:46,132,106, plus strand): 5'-GCCCGGCGCTTCGTGGAGCAGGTGGCGCGGCGGCTGACGCTGGCCCGGAGGGACGACGAC[C>T]CTCTCAACGCACGCGTGGCGCTGCTGCAGTTTGGTGGCCCCGGCGAGCAGCAGGTGGCCT-3'
Protein context (NP_001840.3, residues 862-882): RLTLARRDDD[Pro872Ser]LNARVALLQF